The following is an entry in ClinVar:

ClinVar aggregate classification (germline): Pathogenic. Review status: criteria provided, single submitter (1 of 4 stars). 2 submissions from 2 submitters: Pathogenic (1). 1 of the submissions does not count toward it. Last evaluated 2020-09-22.

Conditions:
Hereditary cancer-predisposing syndrome. Also called: Tumor predisposition; Hereditary neoplastic syndrome; Hereditary Cancer Syndrome; Neoplastic Syndromes, Hereditary. Identifiers: Orphanet 140162, MedGen C0027672, MeSH D009386, MONDO:0015356.

Submissions (2):

Ambry Genetics
Classification: Pathogenic for Hereditary cancer-predisposing syndrome. Last evaluated: 2020-09-22. Review status: criteria provided, single submitter. Criteria: Ambry Variant Classification Scheme 2023. Collection method: clinical testing. Allele origin: germline.
Comment: The c.2291dupT pathogenic mutation, located in coding exon 15 of the APC gene, results from a duplication of T at nucleotide position 2291, causing a translational frameshift with a predicted alternate stop codon (p.L764Ffs*11). This alteration is expected to result in loss of function by premature protein truncation. As such, this alteration is interpreted as a disease-causing mutation.

Department of Pathology and Laboratory Medicine, Sinai Health System
Classification: Uncertain significance. Review status: no assertion criteria provided. Collection method: clinical testing. Allele origin: unknown. Affected: yes. Observed: 3 variant alleles. Study: The Canadian Open Genetics Repository (COGR). Not counted in ClinVar's aggregate classification.

NM_000038.6(APC):c.2291dup (p.Leu764fs)

Gene: APC (APC regulator of Wnt signaling pathway; plus strand). Cytogenetic location: 5q22.2.
Variant type: Duplication.
Coding change: c.2291dup on transcript NM_000038.6 (MANE Select); coding-DNA position 2291, one base duplicated (T; older notation c.2291dupT).
Protein change: p.Leu764fs; shifts the reading frame from leucine 764.
Molecular consequence: frameshift variant.
Genome position (GRCh38, 1-based): chr5:112,837,885, T duplicated; the last of 2 consecutive T bases (chr5:112,837,884-112,837,885); duplicating either gives the same sequence. VCF-style (leftmost placement, unchanged base first): chr5-112837883-A-AT. GRCh37 (hg19) VCF-style: chr5-112173580-A-AT.
Other names: c.2291dup, p.Leu764fs (NM_001127510.3, NM_001354895.2); c.2237dup, p.Leu746fs (NM_001127511.3); c.2345dup, p.Leu782fs (NM_001354896.2); c.2321dup, p.Leu774fs (NM_001354897.2); c.2216dup, p.Leu739fs (NM_001354898.2); c.2207dup, p.Leu736fs (NM_001354899.2); c.2168dup, p.Leu723fs (NM_001354900.2); c.2114dup, p.Leu705fs (NM_001354901.2); and 5 more; short protein forms L481fs, L604fs, L638fs, L663fs, L673fs, L705fs, L723fs, L736fs.
Identifiers: ClinVar variation 1050627 (VCV001050627.3), dbSNP rs2149865532, ClinGen allele CA2499217457.
Genomic context (GRCh38, chr5:112,837,883, plus strand): 5'-GTCTCCTGGCTCAAGCTTGCCATCTCTTCATGTTAGGAAACAAAAAGCCCTAGAAGCAGA[A>AT]TTAGATGCTCAGCACTTATCAGAAACTTTTGACAATATAGACAATTTAAGTCCCAAGGCA-3'